The following is an entry in ClinVar:

NM_003742.4(ABCB11):c.557A>C (p.Glu186Ala)

Gene: ABCB11 (ATP binding cassette subfamily B member 11; minus strand). Cytogenetic location: 2q31.1.
Variant type: single nucleotide variant.
Coding change: c.557A>C on transcript NM_003742.4 (MANE Select); coding-DNA position 557, A replaced by C.
Protein change: p.Glu186Ala; replaces glutamic acid 186 with alanine.
Molecular consequence: missense variant.
Genome position (GRCh38, 1-based): chr2:168,995,403, T>G on the plus strand (A>C on the coding strand, the complement: ABCB11 is on the minus strand). VCF-style: chr2-168995403-T-G. GRCh37 (hg19) VCF-style: chr2-169851913-T-G.
Other names: short protein forms E186A.
Identifiers: ClinVar variation 4994109 (VCV004994109.1).

ClinVar aggregate classification (germline): Uncertain significance (1 of 4 stars; one submission).

Conditions:
ABCB11-related disorder. Also called: ABCB11-related condition.

Submission:

PreventionGenetics, part of Exact Sciences
Classification: Uncertain significance for ABCB11-related condition. Last evaluated: 2025-10-12. Review status: criteria provided, single submitter. Criteria: ACMG Guidelines, 2015. Collection method: clinical testing. Allele origin: germline.
Comment: The ABCB11 c.557A>C variant is predicted to result in the amino acid substitution p.Glu186Ala. To our knowledge, this variant has not been reported in the literature or in a large population database (gnomAD), indicating this variant is rare. At this time, the clinical significance of this variant is uncertain due to the absence of conclusive functional and genetic evidence.